The following is an entry in ClinVar:

ClinVar aggregate classification (germline): Conflicting classifications of pathogenicity. Review status: criteria provided, conflicting classifications (1 of 4 stars). 2 submissions from 2 submitters: Uncertain significance (1); Likely benign (1). Last evaluated 2023-06-07.

Conditions:
Inborn genetic diseases. Identifiers: MedGen C0950123, MeSH D030342.

Allele frequency attached by ClinVar (database versions not stated): gnomAD exomes 0.00007 and 0.00017; ExAC 0.00022; gnomAD 0.00023 and 0.00026; ESP Exome Variant Server 0.00033; TOPMed 0.00035; 1000 Genomes Project 0.00040; 1000 Genomes Project 30x 0.00047.
gnomAD v4.1: 129 of 1,614,128 alleles (0.008%); highest among the groups gnomAD compares: East Asian, 0.13%; no homozygotes.

Submissions (2):

Ambry Genetics
Classification: Uncertain significance for Inborn genetic diseases. Last evaluated: 2023-06-07. Review status: criteria provided, single submitter. Criteria: Ambry Variant Classification Scheme 2023. Collection method: clinical testing. Allele origin: germline.

Institute for Genomic Medicine (IGM) Clinical Laboratory, Nationwide Children's Hospital
Classification: Likely benign. Last evaluated: 2017-09-05. Review status: criteria provided, single submitter. Criteria: ACMG Guidelines, 2015. Collection method: clinical testing. Allele origin: germline.
Comment: BS1, BP4; This alteration has an allele frequency that is greater than expected for the associated disease, and is predicted to be tolerated by multiple functional prediction tools.

NM_001377405.1(ATXN7):c.538G>A (p.Val180Ile)

Gene: ATXN7 (ataxin 7; plus strand). Cytogenetic location: 3p14.1.
Variant type: single nucleotide variant.
Coding change: c.538G>A on transcript NM_001377405.1 (MANE Select); coding-DNA position 538, G replaced by A.
Protein change: p.Val180Ile; replaces valine 180 with isoleucine.
Molecular consequence: missense variant.
Genome position (GRCh38, 1-based): chr3:63,979,953, G>A. VCF-style: chr3-63979953-G-A. GRCh37 (hg19) VCF-style: chr3-63965629-G-A.
Other names: c.538G>A, p.Val180Ile (NM_000333.4, NM_001177387.1, NM_001377406.1); c.103G>A, p.Val35Ile (NM_001128149.3); short protein forms V180I, V35I.
Identifiers: ClinVar variation 599432 (VCV000599432.8), dbSNP rs376166098, ClinGen allele CA2478329.